The following is an entry in ClinVar:

ClinVar aggregate classification (germline): Pathogenic (1 of 4 stars; one submission).

Conditions:
Duchenne muscular dystrophy (DMD). Also called: MUSCULAR DYSTROPHY, PSEUDOHYPERTROPHIC PROGRESSIVE, DUCHENNE TYPE; Duchenne Muscular Dystrophy (DMD). Identifiers: Orphanet 98896, MedGen C0013264, MONDO:0010679, OMIM 310200.

Submission:

Labcorp Genetics (formerly Invitae), Labcorp
Classification: Pathogenic for Duchenne muscular dystrophy. Last evaluated: 2025-10-10. Review status: criteria provided, single submitter. Criteria: Invitae Variant Classification Sherloc (09022015). Collection method: clinical testing. Allele origin: germline.
Comment: This sequence change creates a premature translational stop signal (p.Glu1795Asnfs*11) in the DMD gene. It is expected to result in an absent or disrupted protein product. Loss-of-function variants in DMD are known to be pathogenic (PMID: 16770791, 25007885). This variant is not present in population databases (gnomAD no frequency). This variant has not been reported in the literature in individuals affected with DMD-related conditions. For these reasons, this variant has been classified as Pathogenic.

Literature cited by the submitters: PubMed 16770791; PubMed 25007885.

NM_004006.3(DMD):c.5380del (p.Glu1795fs)

Gene: DMD (dystrophin; minus strand). Cytogenetic location: Xp21.1.
Variant type: Deletion.
Coding change: c.5380del on transcript NM_004006.3 (MANE Select); coding-DNA position 5380, one base deleted (C; older notation c.5380delC).
Protein change: p.Glu1795fs; shifts the reading frame from glutamic acid 1795.
Molecular consequence: frameshift variant.
Genome position (GRCh38, 1-based): chrX:32,348,474, G deleted on the plus strand (C on the coding strand, the reverse complement: DMD is on the minus strand). VCF-style (leftmost placement, unchanged base first): chrX-32348473-AG-A. GRCh37 (hg19) VCF-style: chrX-32366590-AG-A.
Other names: c.5356del, p.Glu1787fs (NM_000109.4); c.5368del, p.Glu1791fs (NM_004009.3); c.5011del, p.Glu1672fs (NM_004010.3); c.1357del, p.Glu454fs (NM_004011.4); c.1348del, p.Glu451fs (NM_004012.4); short protein forms E1795fs, E1791fs, E1672fs, E451fs, E454fs, E1787fs.
Identifiers: ClinVar variation 4727219 (VCV004727219.1).